The following is an entry in ClinVar:

ClinVar aggregate classification (germline): Uncertain significance. Review status: criteria provided, multiple submitters, no conflicts (2 of 4 stars). 6 submissions from 6 submitters: Uncertain significance (6). Last evaluated 2024-11-04.

Conditions:
Mismatch repair cancer syndrome 4. Identifiers: MedGen C5436817, MONDO:0030843, OMIM 619101.
Hereditary nonpolyposis colorectal neoplasms. Identifiers: MedGen C0009405, MeSH D003123.
Hereditary cancer-predisposing syndrome. Also called: Neoplastic Syndromes, Hereditary; Hereditary neoplastic syndrome; Tumor predisposition; Hereditary Cancer Syndrome. Identifiers: Orphanet 140162, MedGen C0027672, MeSH D009386, MONDO:0015356.
Lynch syndrome 4 (LYNCH4). Also called: Hereditary non-polyposis colorectal cancer, type 4; Colorectal cancer, hereditary nonpolyposis, type 4. Identifiers: Orphanet 144, MedGen C1838333, MONDO:0013699, OMIM 614337. Disease mechanism: loss of function.

Submissions (6):

ARUP Laboratories, Molecular Genetics and Genomics, ARUP Laboratories
Classification: Uncertain significance. Last evaluated: 2024-11-04. Review status: criteria provided, single submitter. Criteria: ARUP Molecular Germline Variant Investigation Process 2024. Collection method: clinical testing. Allele origin: germline.
Comment: The PMS2 c.652G>C; p.Gly218Arg variant (rs878854055, ClinVar Variation ID: 237923) is reported in the literature in an individual affected with ovarian cancer (Kraus 2017). This variant is absent from the Genome Aggregation Database (v2.1.1), indicating it is not a common polymorphism. Computational analyses are uncertain whether this variant is neutral or deleterious (REVEL: 0.223). Due to limited information, the clinical significance of this variant is uncertain at this time. References: Kraus C et al. Gene panel sequencing in familial breast/ovarian cancer patients identifies multiple novel mutations also in genes others than BRCA1/2. Int J Cancer. 2017 Jan 1;140(1):95-102. PMID: 27616075.

Labcorp Genetics (formerly Invitae), Labcorp
Classification: Uncertain significance for Hereditary nonpolyposis colorectal neoplasms. Last evaluated: 2024-04-17. Review status: criteria provided, single submitter. Criteria: Invitae Variant Classification Sherloc (09022015). Collection method: clinical testing. Allele origin: germline.
Comment: This sequence change replaces glycine, which is neutral and non-polar, with arginine, which is basic and polar, at codon 218 of the PMS2 protein (p.Gly218Arg). This variant is not present in population databases (gnomAD no frequency). This missense change has been observed in individual(s) with ovarian cancer (PMID: 21701589). ClinVar contains an entry for this variant (Variation ID: 237923). Advanced modeling of protein sequence and biophysical properties (such as structural, functional, and spatial information, amino acid conservation, physicochemical variation, residue mobility, and thermodynamic stability) performed at Invitae indicates that this missense variant is not expected to disrupt PMS2 protein function with a negative predictive value of 80%. In summary, the available evidence is currently insufficient to determine the role of this variant in disease. Therefore, it has been classified as a Variant of Uncertain Significance.

Department of Pathology and Laboratory Medicine, Sinai Health System
Classification: Uncertain significance for Mismatch repair cancer syndrome 4. Last evaluated: 2024-01-22. Review status: criteria provided, single submitter. Criteria: ACMG Guidelines, 2015. Collection method: clinical testing. Allele origin: germline. Affected: yes.

Baylor Genetics
Classification: Uncertain significance for Lynch syndrome 4. Last evaluated: 2023-09-26. Review status: criteria provided, single submitter. Criteria: ACMG Guidelines, 2015. Collection method: clinical testing. Allele origin: unknown.

Ambry Genetics
Classification: Uncertain significance for Hereditary cancer-predisposing syndrome. Last evaluated: 2023-01-24. Review status: criteria provided, single submitter. Criteria: Ambry Variant Classification Scheme 2023. Collection method: clinical testing. Allele origin: germline.
Comment: The p.G218R variant (also known as c.652G>C), located in coding exon 6 of the PMS2 gene, results from a G to C substitution at nucleotide position 652. The glycine at codon 218 is replaced by arginine, an amino acid with dissimilar properties. This amino acid position is poorly conserved in available vertebrate species. In addition, this alteration is predicted to be tolerated by in silico analysis. Since supporting evidence is limited at this time, the clinical significance of this alteration remains unclear.

Color Diagnostics, LLC DBA Color Health
Classification: Uncertain significance for Hereditary cancer-predisposing syndrome. Last evaluated: 2020-12-22. Review status: criteria provided, single submitter. Criteria: ACMG Guidelines, 2015. Collection method: clinical testing. Allele origin: germline.
Comment: This missense variant replaces glycine with arginine at codon 218 of the PMS2 protein. Computational prediction suggests that this variant may not impact protein structure and function (internally defined REVEL score threshold <= 0.5, PMID: 27666373). To our knowledge, functional studies have not been reported for this variant. This variant has not been reported in individuals affected with hereditary cancer in the literature. This variant has not been identified in the general population by the Genome Aggregation Database (gnomAD). The available evidence is insufficient to determine the role of this variant in disease conclusively. Therefore, this variant is classified as a Variant of Uncertain Significance.

Literature cited by the submitters: PubMed 21701589 (cited by Labcorp Genetics (formerly Invitae), Labcorp); PubMed 27616075 (cited by Department of Pathology and Laboratory Medicine, Sinai Health System and Ambry Genetics).

NM_000535.7(PMS2):c.652G>C (p.Gly218Arg)

Gene: PMS2 (PMS1 homolog 2, mismatch repair system component; minus strand). Cytogenetic location: 7p22.1.
Variant type: single nucleotide variant.
Coding change: c.652G>C on transcript NM_000535.7 (MANE Select); coding-DNA position 652, G replaced by C.
Protein change: p.Gly218Arg; replaces glycine 218 with arginine.
Molecular consequence: missense variant. On other transcripts: 5 prime UTR variant (2), non-coding transcript variant (1), intron variant (1).
Genome position (GRCh38, 1-based): chr7:5,999,161, C>G on the plus strand (G>C on the coding strand, the complement: PMS2 is on the minus strand). VCF-style: chr7-5999161-C-G. GRCh37 (hg19) VCF-style: chr7-6038792-C-G.
Other names: c.247G>C, p.Gly83Arg (NM_001322003.2, NM_001322004.2, NM_001322005.2 and 2 more transcripts); c.652G>C, p.Gly218Arg (NM_001322006.2, NM_001322014.2); c.334G>C, p.Gly112Arg (NM_001322007.2, NM_001322008.2); c.-282G>C (NM_001322011.2, NM_001322012.2); c.343G>C, p.Gly115Arg (NM_001322015.2); c.133-1738G>C (NM_001322013.2); short protein forms G218R, G112R, G115R, G83R.
Identifiers: ClinVar variation 237923 (VCV000237923.18), dbSNP rs878854055, ClinGen allele CA10582523.